The following is an entry in ClinVar:

ClinVar aggregate classification (germline): Uncertain significance (1 of 4 stars; one submission).

Conditions:
Inborn genetic diseases. Identifiers: MedGen C0950123, MeSH D030342.

gnomAD v4.1: 4 of 1,613,358 alleles (0.00025%); highest among the groups gnomAD compares: Non-Finnish European, 0.00034%; no homozygotes.

Submission:

Ambry Genetics
Classification: Uncertain significance for Inborn genetic diseases. Last evaluated: 2025-04-09. Review status: criteria provided, single submitter. Criteria: Ambry Variant Classification Scheme 2023. Collection method: clinical testing. Allele origin: germline.
Comment: The p.E877G variant (also known as c.2630A>G), located in coding exon 11 of the MECOM gene, results from an A to G substitution at nucleotide position 2630. The glutamic acid at codon 877 is replaced by glycine, an amino acid with similar properties. This amino acid position is conserved. In addition, the in silico prediction for this alteration is inconclusive. Based on the available evidence, the clinical significance of this variant remains unclear.

NM_004991.4(MECOM):c.2630A>G (p.Glu877Gly)

Gene: MECOM (MDS1 and EVI1 complex locus; minus strand). Cytogenetic location: 3q26.2.
Variant type: single nucleotide variant.
Coding change: c.2630A>G on transcript NM_004991.4 (MANE Select); coding-DNA position 2630, A replaced by G.
Protein change: p.Glu877Gly; replaces glutamic acid 877 with glycine.
Molecular consequence: missense variant.
Genome position (GRCh38, 1-based): chr3:169,102,201, T>C on the plus strand (A>G on the coding strand, the complement: MECOM is on the minus strand). VCF-style: chr3-169102201-T-C. GRCh37 (hg19) VCF-style: chr3-168819989-T-C.
Other names: c.2261A>G, p.Glu754Gly (NM_001105077.4); c.2066A>G, p.Glu689Gly (NM_001105078.4, NM_001205194.2, NM_001366469.2 and 1 more transcripts); c.2042A>G, p.Glu681Gly (NM_001163999.2, NM_001366470.2); c.2039A>G, p.Glu680Gly (NM_001164000.2, NM_001366471.2, NM_001366472.2); c.2603A>G, p.Glu868Gly (NM_001366466.2); c.2069A>G, p.Glu690Gly (NM_001366467.2, NM_001366468.2); c.1631A>G, p.Glu544Gly (NM_001366473.2); c.1067A>G, p.Glu356Gly (NM_001366474.2); short protein forms E689G, E868G, E356G, E690G, E877G, E544G, E680G, E681G.
Identifiers: ClinVar variation 4053162 (VCV004053162.1).